The following is an entry in ClinVar:

ClinVar aggregate classification (germline): Likely benign. Review status: criteria provided, multiple submitters, no conflicts (2 of 4 stars). 3 submissions from 3 submitters: Likely benign (3). Last evaluated 2024-10-24.

Allele frequency attached by ClinVar (database versions not stated): gnomAD 0.00004; TOPMed 0.00004; ESP Exome Variant Server 0.00008; gnomAD exomes 0.00009; ExAC 0.00016.
gnomAD v4.1: 132 of 1,610,092 alleles (0.0082%); highest among the groups gnomAD compares: South Asian, 0.045%; no homozygotes.

Submissions (3):

Blueprint Genetics
Classification: Likely benign. Last evaluated: 2024-10-24. Review status: criteria provided, single submitter. Criteria: ACMG Guidelines, 2015. Collection method: clinical testing. Allele origin: germline.

Labcorp Genetics (formerly Invitae), Labcorp
Classification: Likely benign. Last evaluated: 2024-06-25. Review status: criteria provided, single submitter. Criteria: Invitae Variant Classification Sherloc (09022015). Collection method: clinical testing. Allele origin: germline.

CeGaT Center for Human Genetics Tuebingen
Classification: Likely benign. Last evaluated: 2023-07-01. Review status: criteria provided, single submitter. Criteria: CeGaT Center For Human Genetics Tuebingen Variant Classification Criteria Version 2. Collection method: clinical testing. Allele origin: germline. Affected: yes. Observed: 1 variant allele.
Comment: LAMA5: BP4, BP7

NM_005560.6(LAMA5):c.1494G>A (p.Ala498=)

Gene: LAMA5 (laminin subunit alpha 5; minus strand). Cytogenetic location: 20q13.33.
Variant type: single nucleotide variant.
Coding change: c.1494G>A on transcript NM_005560.6 (MANE Select); coding-DNA position 1494, G replaced by A.
Protein change: p.Ala498=; no amino-acid change (alanine 498 retained).
Molecular consequence: synonymous variant.
Genome position (GRCh38, 1-based): chr20:62,338,592, C>T on the plus strand (G>A on the coding strand, the complement: LAMA5 is on the minus strand). VCF-style: chr20-62338592-C-T. GRCh37 (hg19) VCF-style: chr20-60913648-C-T.
Identifiers: ClinVar variation 2156592 (VCV002156592.29), dbSNP rs146065187, ClinGen allele CA9943882.